The following is an entry in ClinVar:

ClinVar aggregate classification (germline): Uncertain significance (1 of 4 stars; one submission).

Conditions:
Common variable immunodeficiency (CVID). Also called: Common variable hypogamma-globulinemia; Common variable agammaglobulinemia. Identifiers: Orphanet 1572, MedGen C0009447, MONDO:0015517.

Allele frequency attached by ClinVar (database versions not stated): gnomAD 0.00001.

Submission:

Labcorp Genetics (formerly Invitae), Labcorp
Classification: Uncertain significance for Common variable immunodeficiency. Last evaluated: 2021-08-22. Review status: criteria provided, single submitter. Criteria: Invitae Variant Classification Sherloc (09022015). Collection method: clinical testing. Allele origin: germline.
Comment: In summary, the available evidence is currently insufficient to determine the role of this variant in disease. Therefore, it has been classified as a Variant of Uncertain Significance. Algorithms developed to predict the effect of missense changes on protein structure and function output the following: SIFT: "Tolerated"; PolyPhen-2: "Not Available"; Align-GVGD: "Class C0". The threonine amino acid residue is found in multiple mammalian species, which suggests that this missense change does not adversely affect protein function. This variant has not been reported in the literature in individuals affected with TNFSF12-related conditions. The frequency data for this variant in the population databases is considered unreliable, as metrics indicate insufficient coverage at this position in the ExAC database. This sequence change replaces serine with threonine at codon 46 of the TNFSF12 protein (p.Ser46Thr). The serine residue is moderately conserved and there is a small physicochemical difference between serine and threonine.

NM_003809.3(TNFSF12):c.137G>C (p.Ser46Thr)

Genes: TNFSF12 (TNF superfamily member 12; plus strand), TNFSF12-TNFSF13 (TNFSF12-TNFSF13 readthrough; plus strand). Cytogenetic location: 17p13.1.
Variant type: single nucleotide variant.
Coding change: c.137G>C on transcript NM_003809.3 (MANE Select); coding-DNA position 137, G replaced by C.
Protein change: p.Ser46Thr; replaces serine 46 with threonine.
Molecular consequence: missense variant. On other transcripts: non-coding transcript variant (1).
Genome position (GRCh38, 1-based): chr17:7,549,290, G>C. VCF-style: chr17-7549290-G-C. GRCh37 (hg19) VCF-style: chr17-7452607-G-C.
Other names: c.137G>C, p.Ser46Thr (NM_172089.4); short protein forms S46T.
Identifiers: ClinVar variation 1412843 (VCV001412843.6), dbSNP rs1386396522, ClinGen allele CA397854356.
Genomic context (GRCh38, chr17:7,549,290, plus strand): 5'-TGGGCCTGGGCCTGGCGCTGGCCTGCCTCGGCCTCCTGCTGGCCGTGGTCAGTTTGGGGA[G>C]CCGGGCATCGCTGTCCGCCCAGGTGAGGCCCCGCTGCGCACCCCTTCTTGGGCACATCAG-3'
Protein context (NP_003800.1, residues 36-56): GLLLAVVSLG[Ser46Thr]RASLSAQEPA